The following is an entry in ClinVar:

NM_001281747.2(MLIP):c.775T>G (p.Phe259Val)

Gene: MLIP (muscular LMNA interacting protein; plus strand). Cytogenetic location: 6p12.1.
Variant type: single nucleotide variant.
Coding change: c.775T>G on transcript NM_001281747.2 (MANE Select); coding-DNA position 775, T replaced by G.
Protein change: p.Phe259Val; replaces phenylalanine 259 with valine.
Molecular consequence: missense variant. On other transcripts: intron variant (1).
Genome position (GRCh38, 1-based): chr6:54,136,844, T>G. VCF-style: chr6-54136844-T-G. GRCh37 (hg19) VCF-style: chr6-54001642-T-G.
Other names: c.742T>G, p.Phe248Val (NM_001281746.2); c.612+11979T>G (NM_138569.3); short protein forms F248V, F259V.
Identifiers: ClinVar variation 4990040 (VCV004990040.1).
Genomic context (GRCh38, chr6:54,136,844, plus strand): 5'-ACTAATCCGAACACACCACCCGACCCAGTTAACCTCGAGGGAGCCTCTGTCCTAGAGGAG[T>G]TCCACACTAGGAGGCTGGATGTCGGTGGGGCCGTGGTGGAAGAATCAGCTACGTATTTTC-3'
Protein context (NP_001268676.1, residues 249-269): NLEGASVLEE[Phe259Val]HTRRLDVGGA

ClinVar aggregate classification (germline): Uncertain significance (1 of 4 stars; one submission).

Conditions:
MLIP-related disorder. Also called: MLIP-related condition.

gnomAD v4.1: 5 of 1,534,696 alleles (0.00033%); highest among the groups gnomAD compares: Non-Finnish European, 0.00044%; no homozygotes.

Submission:

PreventionGenetics, part of Exact Sciences
Classification: Uncertain significance for MLIP-related condition. Last evaluated: 2025-06-04. Review status: criteria provided, single submitter. Criteria: ACMG Guidelines, 2015. Collection method: clinical testing. Allele origin: germline.
Comment: The MLIP c.775T>G variant is predicted to result in the amino acid substitution p.Phe259Val. To our knowledge, this variant has not been reported in the literature or in a large population database (gnomAD), indicating this variant is rare. At this time, the clinical significance of this variant is uncertain due to the absence of conclusive functional and genetic evidence.